The following is an entry in ClinVar:

ClinVar aggregate classification (germline): Uncertain significance. Review status: criteria provided, multiple submitters, no conflicts (2 of 4 stars). 2 submissions from 2 submitters: Uncertain significance (2). Last evaluated 2025-06-30.

Submissions (2):

GeneDx
Classification: Uncertain significance. Last evaluated: 2025-06-30. Review status: criteria provided, single submitter. Criteria: GeneDx Variant Classification Process June 2021. Collection method: clinical testing. Allele origin: germline. Affected: yes.
Comment: Not observed at significant frequency in large population cohorts (gnomAD); In silico analysis supports that this missense variant has a deleterious effect on protein structure/function; Has not been previously published as pathogenic or benign to our knowledge

Labcorp Genetics (formerly Invitae), Labcorp
Classification: Uncertain significance. Last evaluated: 2024-02-01. Review status: criteria provided, single submitter. Criteria: Invitae Variant Classification Sherloc (09022015). Collection method: clinical testing. Allele origin: germline.
Comment: This sequence change replaces leucine, which is neutral and non-polar, with proline, which is neutral and non-polar, at codon 443 of the CDK13 protein (p.Leu443Pro). This variant is not present in population databases (gnomAD no frequency). This variant has not been reported in the literature in individuals affected with CDK13-related conditions. Advanced modeling of protein sequence and biophysical properties (such as structural, functional, and spatial information, amino acid conservation, physicochemical variation, residue mobility, and thermodynamic stability) has been performed at Invitae for this missense variant, however the output from this modeling did not meet the statistical confidence thresholds required to predict the impact of this variant on CDK13 protein function. In summary, the available evidence is currently insufficient to determine the role of this variant in disease. Therefore, it has been classified as a Variant of Uncertain Significance.

NM_003718.5(CDK13):c.1328T>C (p.Leu443Pro)

Gene: CDK13 (cyclin dependent kinase 13; plus strand). Cytogenetic location: 7p14.1.
Variant type: single nucleotide variant.
Coding change: c.1328T>C on transcript NM_003718.5 (MANE Select); coding-DNA position 1328, T replaced by C.
Protein change: p.Leu443Pro; replaces leucine 443 with proline.
Molecular consequence: missense variant.
Genome position (GRCh38, 1-based): chr7:39,987,715, T>C. VCF-style: chr7-39987715-T-C. GRCh37 (hg19) VCF-style: chr7-40027314-T-C.
Other names: c.1328T>C, p.Leu443Pro (NM_031267.4); short protein forms L443P.
Identifiers: ClinVar variation 2714642 (VCV002714642.4), dbSNP rs1784368461, ClinGen allele CA367282041.
Genomic context (GRCh38, chr7:39,987,715, plus strand): 5'-GTAGCAGGCACAGATTGTCTAGATCCAGAAGTCGTCATTCTAGTATTTCTCCTAGCACAC[T>C]AACTCTGAAGAGTAGCCTGGCAGCTGAATTGAACAAGAATAAAAAAGCACGAGCAGCAGA-3'
Protein context (NP_003709.3, residues 433-453): SRHSSISPST[Leu443Pro]TLKSSLAAEL